The following is an entry in ClinVar:

NM_001256789.3(CACNA1F):c.3320T>C (p.Ile1107Thr)

Gene: CACNA1F (calcium voltage-gated channel subunit alpha1 F; minus strand). Cytogenetic location: Xp11.23.
Variant type: single nucleotide variant.
Coding change: c.3320T>C on transcript NM_001256789.3 (MANE Select); coding-DNA position 3320, T replaced by C.
Protein change: p.Ile1107Thr; replaces isoleucine 1107 with threonine.
Molecular consequence: missense variant.
Genome position (GRCh38, 1-based): chrX:49,215,460, A>G on the plus strand (T>C on the coding strand, the complement: CACNA1F is on the minus strand). VCF-style: chrX-49215460-A-G. GRCh37 (hg19) VCF-style: chrX-49071920-A-G.
Other names: c.3158T>C, p.Ile1053Thr (NM_001256790.3); c.3353T>C, p.Ile1118Thr (NM_005183.4); short protein forms I1053T, I1118T, I1107T.
Identifiers: ClinVar variation 4770468 (VCV004770468.1).

ClinVar aggregate classification (germline): Uncertain significance (1 of 4 stars; one submission).

gnomAD v4.1: 1 of 1,203,184 alleles (0.000083%); highest among the groups gnomAD compares: Non-Finnish European, 0.00011%; no homozygotes.

Submission:

Labcorp Genetics (formerly Invitae), Labcorp
Classification: Uncertain significance. Last evaluated: 2025-06-13. Review status: criteria provided, single submitter. Criteria: Invitae Variant Classification Sherloc (09022015). Collection method: clinical testing. Allele origin: germline.
Comment: This sequence change replaces isoleucine, which is neutral and non-polar, with threonine, which is neutral and polar, at codon 1118 of the CACNA1F protein (p.Ile1118Thr). This variant is not present in population databases (gnomAD no frequency). This variant has not been reported in the literature in individuals affected with CACNA1F-related conditions. Invitae Evidence Modeling of protein sequence and biophysical properties (such as structural, functional, and spatial information, amino acid conservation, physicochemical variation, residue mobility, and thermodynamic stability) indicates that this missense variant is not expected to disrupt CACNA1F protein function with a negative predictive value of 80%. In summary, the available evidence is currently insufficient to determine the role of this variant in disease. Therefore, it has been classified as a Variant of Uncertain Significance.